The following is an entry in ClinVar:

NM_032119.4(ADGRV1):c.15694G>A (p.Glu5232Lys)

Gene: ADGRV1 (adhesion G protein-coupled receptor V1; plus strand). Cytogenetic location: 5q14.3.
Variant type: single nucleotide variant.
Coding change: c.15694G>A on transcript NM_032119.4 (MANE Select); coding-DNA position 15694, G replaced by A.
Protein change: p.Glu5232Lys; replaces glutamic acid 5232 with lysine.
Molecular consequence: missense variant. On other transcripts: non-coding transcript variant (1).
Genome position (GRCh38, 1-based): chr5:90,810,954, G>A. VCF-style: chr5-90810954-G-A. GRCh37 (hg19) VCF-style: chr5-90106771-G-A.
Other names: c.15694G>A (NM_032119.3); short protein forms E5232K.
Identifiers: ClinVar variation 1947137 (VCV001947137.3), dbSNP rs988751692, ClinGen allele CA122822019.

ClinVar aggregate classification (germline): Uncertain significance. Review status: criteria provided, multiple submitters, no conflicts (2 of 4 stars). 2 submissions from 2 submitters: Uncertain significance (2). Last evaluated 2025-06-29.

Conditions:
Inborn genetic diseases. Identifiers: MedGen C0950123, MeSH D030342.

Allele frequency attached by ClinVar (database versions not stated): gnomAD exomes below 0.00001; TOPMed below 0.00001; gnomAD 0.00001.
gnomAD v4.1: 3 of 1,613,892 alleles (0.00019%); highest among the groups gnomAD compares: African/African-American, 0.004%; no homozygotes.

Submissions (2):

Ambry Genetics
Classification: Uncertain significance for Inborn genetic diseases. Last evaluated: 2025-06-29. Review status: criteria provided, single submitter. Criteria: Ambry Variant Classification Scheme 2023. Collection method: clinical testing. Allele origin: germline.

Labcorp Genetics (formerly Invitae), Labcorp
Classification: Uncertain significance. Last evaluated: 2021-12-23. Review status: criteria provided, single submitter. Criteria: Invitae Variant Classification Sherloc (09022015). Collection method: clinical testing. Allele origin: germline.
Comment: This sequence change replaces glutamic acid, which is acidic and polar, with lysine, which is basic and polar, at codon 5232 of the ADGRV1 protein (p.Glu5232Lys). This variant is not present in population databases (gnomAD no frequency). This variant has not been reported in the literature in individuals affected with ADGRV1-related conditions. Algorithms developed to predict the effect of missense changes on protein structure and function are either unavailable or do not agree on the potential impact of this missense change (SIFT: "Tolerated"; PolyPhen-2: "Possibly Damaging"; Align-GVGD: "Class C0"). In summary, the available evidence is currently insufficient to determine the role of this variant in disease. Therefore, it has been classified as a Variant of Uncertain Significance.